The following is an entry in ClinVar:

ClinVar aggregate classification (germline): Uncertain significance (1 of 4 stars; one submission).

Conditions:
Dilated cardiomyopathy 1J (CMD1J). Also called: CARDIOMYOPATHY, DILATED, WITH SENSORINEURAL HEARING LOSS, AUTOSOMAL DOMINANT. Identifiers: Orphanet 217622, MedGen C1854368, MONDO:0011541, OMIM 605362.

Allele frequency attached by ClinVar (database versions not stated): gnomAD exomes below 0.00001; TOPMed below 0.00001.
gnomAD v4.1: 2 of 1,614,070 alleles (0.00012%); highest among the groups gnomAD compares: Admixed American, 0.0017%; no homozygotes.

Submission:

Labcorp Genetics (formerly Invitae), Labcorp
Classification: Uncertain significance for Dilated cardiomyopathy 1J. Last evaluated: 2022-02-18. Review status: criteria provided, single submitter. Criteria: Invitae Variant Classification Sherloc (09022015). Collection method: clinical testing. Allele origin: germline.
Comment: This sequence change replaces glutamic acid, which is acidic and polar, with lysine, which is basic and polar, at codon 490 of the EYA4 protein (p.Glu490Lys). This variant is present in population databases (no rsID available, gnomAD 0.003%). This variant has not been reported in the literature in individuals affected with EYA4-related conditions. Algorithms developed to predict the effect of missense changes on protein structure and function are either unavailable or do not agree on the potential impact of this missense change (SIFT: "Deleterious"; PolyPhen-2: "Possibly Damaging"; Align-GVGD: "Class C0"). In summary, the available evidence is currently insufficient to determine the role of this variant in disease. Therefore, it has been classified as a Variant of Uncertain Significance.

NM_004100.5(EYA4):c.1468G>A (p.Glu490Lys)

Genes: TARID (TCF21 antisense RNA inducing promoter demethylation; minus strand), EYA4 (EYA transcriptional coactivator and phosphatase 4; plus strand). Cytogenetic location: 6q23.2.
Variant type: single nucleotide variant.
Coding change: c.1468G>A on transcript NM_004100.5 (MANE Select); coding-DNA position 1468, G replaced by A.
Protein change: p.Glu490Lys; replaces glutamic acid 490 with lysine.
Molecular consequence: missense variant.
Genome position (GRCh38, 1-based): chr6:133,513,005, G>A. VCF-style: chr6-133513005-G-A. GRCh37 (hg19) VCF-style: chr6-133834143-G-A.
Other names: c.1306G>A, p.Glu436Lys (NM_001301012.2); c.1486G>A, p.Glu496Lys (NM_001301013.2); c.1399G>A, p.Glu467Lys (NM_001370458.1, NM_172103.4); c.1324G>A, p.Glu442Lys (NM_001370459.1); c.1468G>A, p.Glu490Lys (NM_172105.4); short protein forms E467K, E496K, E436K, E442K, E490K.
Identifiers: ClinVar variation 1943386 (VCV001943386.5), dbSNP rs1305000119, ClinGen allele CA365715469.
Genomic context (GRCh38, chr6:133,513,005, plus strand): 5'-GGTGTAAGAGGAGGGGTTGACTGGATGAGGAAGTTGGCTTTTCGTTACAGAAGAGTAAAA[G>A]AATTATATAACACCTACAAGAACAACGTTGGAGGTATGTGTGGCTTTTTCAATCTAACAA-3'
Protein context (NP_004091.3, residues 480-500): KLAFRYRRVK[Glu490Lys]LYNTYKNNVG